The following is an entry in ClinVar:

NM_001849.4(COL6A2):c.1880G>A (p.Gly627Glu)

Gene: COL6A2 (collagen type VI alpha 2 chain; plus strand). Cytogenetic location: 21q22.3.
Variant type: single nucleotide variant.
Coding change: c.1880G>A on transcript NM_001849.4 (MANE Select); coding-DNA position 1880, G replaced by A.
Protein change: p.Gly627Glu; replaces glycine 627 with glutamic acid.
Molecular consequence: missense variant.
Genome position (GRCh38, 1-based): chr21:46,125,528, G>A. VCF-style: chr21-46125528-G-A. GRCh37 (hg19) VCF-style: chr21-47545442-G-A.
Other names: c.1880G>A, p.Gly627Glu (NM_058174.3, NM_058175.3); short protein forms G627E.
Identifiers: ClinVar variation 4777582 (VCV004777582.1).

ClinVar aggregate classification (germline): Uncertain significance (1 of 4 stars; one submission).

Conditions:
Bethlem myopathy 1A. Also called: Bethlem myopathy 1; Bethlem Muscular Dystrophy; MYOPATHY, BENIGN CONGENITAL, WITH CONTRACTURES. Identifiers: Orphanet 610, MedGen CN029274, MONDO:0024530, OMIM 158810.

gnomAD v4.1: 2 of 1,612,890 alleles (0.00012%); highest among the groups gnomAD compares: Admixed American, 0.0033%; no homozygotes.

Submission:

Labcorp Genetics (formerly Invitae), Labcorp
Classification: Uncertain significance for Bethlem myopathy 1A. Last evaluated: 2025-10-12. Review status: criteria provided, single submitter. Criteria: Invitae Variant Classification Sherloc (09022015). Collection method: clinical testing. Allele origin: germline.
Comment: This sequence change replaces glycine, which is neutral and non-polar, with glutamic acid, which is acidic and polar, at codon 627 of the COL6A2 protein (p.Gly627Glu). This variant is present in population databases (rs753721798, gnomAD 0.003%). This variant has not been reported in the literature in individuals affected with COL6A2-related conditions. Invitae Evidence Modeling of protein sequence and biophysical properties (such as structural, functional, and spatial information, amino acid conservation, physicochemical variation, residue mobility, and thermodynamic stability) indicates that this missense variant is expected to disrupt COL6A2 protein function with a positive predictive value of 80%. In summary, the available evidence is currently insufficient to determine the role of this variant in disease. Therefore, it has been classified as a Variant of Uncertain Significance.